The following is an entry in ClinVar:

ClinVar aggregate classification (germline): Likely benign. Review status: criteria provided, single submitter (1 of 4 stars). 2 submissions from 2 submitters: Likely benign (1). 1 of the submissions does not count toward it. Last evaluated 2025-02-15.

Conditions:
CACNA1B-related disorder. Also called: CACNA1B-related condition.

Allele frequency attached by ClinVar (database versions not stated): ExAC 0.00001; gnomAD 0.00001; TOPMed 0.00003; gnomAD exomes 0.00005; ESP Exome Variant Server 0.00008.
gnomAD v4.1: 77 of 1,612,958 alleles (0.0048%); highest among the groups gnomAD compares: Non-Finnish European, 0.0064%; no homozygotes.

Submissions (2):

Labcorp Genetics (formerly Invitae), Labcorp
Classification: Likely benign. Last evaluated: 2025-02-15. Review status: criteria provided, single submitter. Criteria: Invitae Variant Classification Sherloc (09022015). Collection method: clinical testing. Allele origin: germline.

PreventionGenetics, part of Exact Sciences
Classification: Likely benign for CACNA1B-related condition. Last evaluated: 2019-04-25. Review status: no assertion criteria provided. Collection method: clinical testing. Allele origin: germline. Not counted in ClinVar's aggregate classification.
Comment: This variant is classified as likely benign based on ACMG/AMP sequence variant interpretation guidelines (Richards et al. 2015 PMID: 25741868, with internal and published modifications).

NM_000718.4(CACNA1B):c.3186G>A (p.Arg1062=)

Gene: CACNA1B (calcium voltage-gated channel subunit alpha1 B; plus strand). Cytogenetic location: 9q34.3.
Variant type: single nucleotide variant.
Coding change: c.3186G>A on transcript NM_000718.4 (MANE Select); coding-DNA position 3186, G replaced by A.
Protein change: p.Arg1062=; no amino-acid change (arginine 1062 retained).
Molecular consequence: synonymous variant.
Genome position (GRCh38, 1-based): chr9:138,025,072, G>A. VCF-style: chr9-138025072-G-A. GRCh37 (hg19) VCF-style: chr9-140919524-G-A.
Other names: c.3186G>A, p.Arg1062= (NM_001243812.2); c.3186G>A (NM_000718.3).
Identifiers: ClinVar variation 2068680 (VCV002068680.6), dbSNP rs199875380, ClinGen allele CA5376548.